The following is an entry in ClinVar:

NM_001256071.3(RNF213):c.15461C>T (p.Pro5154Leu)

Genes: RNF213 (ring finger protein 213; plus strand), RNF213-AS1 (RNF213 antisense RNA 1; minus strand). Cytogenetic location: 17q25.3.
Variant type: single nucleotide variant.
Coding change: c.15461C>T on transcript NM_001256071.3 (MANE Select); coding-DNA position 15461, C replaced by T.
Protein change: p.Pro5154Leu; replaces proline 5154 with leucine.
Molecular consequence: missense variant.
Genome position (GRCh38, 1-based): chr17:80,390,187, C>T. VCF-style: chr17-80390187-C-T. GRCh37 (hg19) VCF-style: chr17-78363987-C-T.
Other names: c.15608C>T, p.Pro5203Leu (NM_001410195.1, NM_020914.5); short protein forms P5154L, P5203L.
Identifiers: ClinVar variation 2663733 (VCV002663733.1), dbSNP rs2511586423, ClinGen allele CA401386904.

ClinVar aggregate classification (germline): Uncertain significance (1 of 4 stars; one submission).

Submission:

GeneDx
Classification: Uncertain significance. Last evaluated: 2023-04-20. Review status: criteria provided, single submitter. Criteria: GeneDx Variant Classification Process June 2021. Collection method: clinical testing. Allele origin: germline. Affected: yes.
Comment: Not observed at significant frequency in large population cohorts (gnomAD); In silico analysis supports that this missense variant has a deleterious effect on protein structure/function; Has not been previously published as pathogenic or benign to our knowledge